The following is an entry in ClinVar:

NR_199791.1(RNU2-2):n.63_64insT

Genes: RNU2-2 (RNA, U2 small nuclear 2; minus strand), WDR74 (WD repeat domain 74; minus strand). Cytogenetic location: 11q12.3.
Variant type: Insertion.
Molecular consequence: non-coding transcript variant (on NR_199791.1). On other transcripts: 5 prime UTR variant (1).
Genome position: GRCh38 VCF-style: chr11-62841746-T-TA. GRCh37 (hg19) VCF-style: chr11-62609218-T-TA.
Other names: c.-476_-475insT (NM_001369451.1).
Identifiers: ClinVar variation 4540490 (VCV004540490.1).

ClinVar aggregate classification (germline): Uncertain significance (1 of 4 stars; one submission).

Submission:

Institute for Human Genetics, University Hospital Essen
Classification: Uncertain significance. Last evaluated: 2025-11-27. Review status: criteria provided, single submitter. Criteria: Submitter's publication. Collection method: clinical testing. Allele origin: inherited. Inheritance: Autosomal unknown. Affected: yes. Observed: 1 variant allele, 1 compound heterozygote.
Comment: PM1_supp, PP1 (criteria rationale detailed in Leitão et al. Nature Genetics 2026)